The following is an entry in ClinVar:

NM_001378452.1(ITPR1):c.3665C>G (p.Ala1222Gly)

Gene: ITPR1 (inositol 1,4,5-trisphosphate receptor type 1; plus strand). Cytogenetic location: 3p26.1.
Variant type: single nucleotide variant.
Coding change: c.3665C>G on transcript NM_001378452.1 (MANE Select); coding-DNA position 3665, C replaced by G.
Protein change: p.Ala1222Gly; replaces alanine 1222 with glycine.
Molecular consequence: missense variant.
Genome position (GRCh38, 1-based): chr3:4,685,169, C>G. VCF-style: chr3-4685169-C-G. GRCh37 (hg19) VCF-style: chr3-4726853-C-G.
Other names: c.3638C>G, p.Ala1213Gly (NM_001099952.4); c.3620C>G, p.Ala1207Gly (NM_001168272.2); c.3593C>G, p.Ala1198Gly (NM_002222.7); short protein forms A1213G, A1222G, A1198G, A1207G.
Identifiers: ClinVar variation 2009767 (VCV002009767.4), dbSNP rs760320664, ClinGen allele CA68828465.

ClinVar aggregate classification (germline): Uncertain significance (1 of 4 stars; one submission).

Submission:

Labcorp Genetics (formerly Invitae), Labcorp
Classification: Uncertain significance. Last evaluated: 2024-10-24. Review status: criteria provided, single submitter. Criteria: Invitae Variant Classification Sherloc (09022015). Collection method: clinical testing. Allele origin: germline.
Comment: This sequence change replaces alanine, which is neutral and non-polar, with glycine, which is neutral and non-polar, at codon 1198 of the ITPR1 protein (p.Ala1198Gly). This variant is not present in population databases (gnomAD no frequency). This variant has not been reported in the literature in individuals affected with ITPR1-related conditions. ClinVar contains an entry for this variant (Variation ID: 2009767). Invitae Evidence Modeling of protein sequence and biophysical properties (such as structural, functional, and spatial information, amino acid conservation, physicochemical variation, residue mobility, and thermodynamic stability) indicates that this missense variant is not expected to disrupt ITPR1 protein function with a negative predictive value of 95%. In summary, the available evidence is currently insufficient to determine the role of this variant in disease. Therefore, it has been classified as a Variant of Uncertain Significance.